The following is an entry in ClinVar:

NM_002476.2(MYL4):c.38C>T (p.Ala13Val)

Gene: MYL4 (myosin light chain 4; plus strand). Cytogenetic location: 17q21.32.
Variant type: single nucleotide variant.
Coding change: c.38C>T on transcript NM_002476.2 (MANE Select); coding-DNA position 38, C replaced by T.
Protein change: p.Ala13Val; replaces alanine 13 with valine.
Molecular consequence: missense variant.
Genome position (GRCh38, 1-based): chr17:47,209,460, C>T. VCF-style: chr17-47209460-C-T. GRCh37 (hg19) VCF-style: chr17-45286826-C-T.
Other names: c.38C>T, p.Ala13Val (NM_001002841.2); short protein forms A13V.
Identifiers: ClinVar variation 1427245 (VCV001427245.6), dbSNP rs767067527, ClinGen allele CA8622551.
Genomic context (GRCh38, chr17:47,209,460, plus strand): 5'-GCCAAAGATCCCAACAAGACAACATGGCTCCCAAGAAGCCTGAGCCTAAGAAGGAGGCAG[C>T]CAAGCCAGCTCCAGCTCCAGCTCCAGCCCCTGCACCAGCCCCTGCCCCAGCTCCTGAGGC-3'
Protein context (NP_002467.1, residues 3-23): PKKPEPKKEA[Ala13Val]KPAPAPAPAP

ClinVar aggregate classification (germline): Uncertain significance (1 of 4 stars; one submission).

Conditions:
Atrial fibrillation, familial, 18 (ATFB18). Identifiers: MedGen C4310636, MONDO:0015001, OMIM 617280.

Allele frequency attached by ClinVar (database versions not stated): gnomAD 0.00001; TOPMed 0.00002.
gnomAD v4.1: 73 of 1,614,070 alleles (0.0045%); highest among the groups gnomAD compares: Non-Finnish European, 0.006%; no homozygotes.

Submission:

Labcorp Genetics (formerly Invitae), Labcorp
Classification: Uncertain significance for Atrial fibrillation, familial, 18. Last evaluated: 2026-01-13. Review status: criteria provided, single submitter. Criteria: Invitae Variant Classification Sherloc (09022015). Collection method: clinical testing. Allele origin: germline.
Comment: This sequence change replaces alanine, which is neutral and non-polar, with valine, which is neutral and non-polar, at codon 13 of the MYL4 protein (p.Ala13Val). This variant is present in population databases (rs767067527, gnomAD 0.007%). This variant has not been reported in the literature in individuals affected with MYL4-related conditions. ClinVar contains an entry for this variant (Variation ID: 1427245). Experimental studies and prediction algorithms are not available or were not evaluated, and the functional significance of this variant is currently unknown. In summary, the available evidence is currently insufficient to determine the role of this variant in disease. Therefore, it has been classified as a Variant of Uncertain Significance.